The following is an entry in ClinVar:

ClinVar aggregate classification (germline): Uncertain significance (1 of 4 stars; one submission).

Conditions:
Fanconi anemia complementation group E (FANCE). Also called: FANCE-Related Fanconi Anemia. Identifiers: Orphanet 84, MedGen C3160739, MONDO:0010953, OMIM 600901.

Allele frequency attached by ClinVar (database versions not stated): gnomAD exomes below 0.00001 and 0.00002; gnomAD 0.00001; ExAC 0.00002.

Submission:

Labcorp Genetics (formerly Invitae), Labcorp
Classification: Uncertain significance for Fanconi anemia complementation group E. Last evaluated: 2021-04-09. Review status: criteria provided, single submitter. Criteria: Invitae Variant Classification Sherloc (09022015). Collection method: clinical testing. Allele origin: germline.
Comment: In summary, the available evidence is currently insufficient to determine the role of this variant in disease. Therefore, it has been classified as a Variant of Uncertain Significance. Algorithms developed to predict the effect of sequence changes on RNA splicing suggest that this variant may create or strengthen a splice site, but this prediction has not been confirmed by published transcriptional studies. Algorithms developed to predict the effect of missense changes on protein structure and function output the following: SIFT: "Deleterious"; PolyPhen-2: "Benign"; Align-GVGD: "Class C0". The valine amino acid residue is found in multiple mammalian species, suggesting that this missense change does not adversely affect protein function. These predictions have not been confirmed by published functional studies and their clinical significance is uncertain. This variant has not been reported in the literature in individuals with FANCE-related conditions. This variant is present in population databases (rs781338655, ExAC 0.02%). This sequence change replaces methionine with valine at codon 497 of the FANCE protein (p.Met497Val). The methionine residue is moderately conserved and there is a small physicochemical difference between methionine and valine.

NM_021922.3(FANCE):c.1489A>G (p.Met497Val)

Gene: FANCE (FA complementation group E; plus strand). Cytogenetic location: 6p21.31.
Variant type: single nucleotide variant.
Coding change: c.1489A>G on transcript NM_021922.3 (MANE Select); coding-DNA position 1489, A replaced by G.
Protein change: p.Met497Val; replaces methionine 497 with valine.
Molecular consequence: missense variant.
Genome position (GRCh38, 1-based): chr6:35,462,894, A>G. VCF-style: chr6-35462894-A-G. GRCh37 (hg19) VCF-style: chr6-35430671-A-G.
Other names: short protein forms M497V.
Identifiers: ClinVar variation 1403344 (VCV001403344.6), dbSNP rs781338655, ClinGen allele CA3771726.